The following is an entry in ClinVar:

ClinVar aggregate classification (germline): Likely pathogenic (1 of 4 stars; one submission).

Conditions:
Saldino-Mainzer syndrome (SRTD9). Also called: CONORENAL SYNDROME; Renal dysplasia, retinal pigmentary dystrophy, cerebellar ataxia and skeletal dysplasia; SHORT-RIB THORACIC DYSPLASIA 9 WITHOUT POLYDACTYLY; short-rib thoracic dysplasia 9 with or without polydactyly. Identifiers: Orphanet 140969, MedGen C1849437, MONDO:0009964, OMIM 266920.

Submission:

Neuberg Centre For Genomic Medicine, NCGM
Classification: Likely pathogenic for Saldino-Mainzer syndrome. Review status: criteria provided, single submitter. Criteria: ACMG Guidelines, 2015. Collection method: clinical testing. Allele origin: germline. Inheritance: Autosomal recessive inheritance. Affected: yes.
Comment: The stop gained c.648T>G p.Tyr216Ter variant in IFT140 gene has not been reported previously as a pathogenic variant nor as a benign variant, to our knowledge. The p.Tyr216Ter variant is novel not in any individuals in gnomAD Exomes and 1000 Genomes. This variant has not been reported to the ClinVar database. This variant is predicted to cause loss of normal protein function through protein truncation. Loss of function variants have been previously reported to be disease causing. For these reasons, this variant has been classified as Likely Pathogenic.

NM_014714.4(IFT140):c.648T>G (p.Tyr216Ter)

Genes: IFT140 (intraflagellar transport 140; minus strand), LOC105371046 (uncharacterized LOC105371046; plus strand). Cytogenetic location: 16p13.3.
Variant type: single nucleotide variant.
Coding change: c.648T>G on transcript NM_014714.4 (MANE Select); coding-DNA position 648, T replaced by G.
Protein change: p.Tyr216Ter; replaces tyrosine 216 with a stop codon.
Molecular consequence: nonsense.
Genome position (GRCh38, 1-based): chr16:1,589,767, A>C on the plus strand (T>G on the coding strand, the complement: IFT140 is on the minus strand). VCF-style: chr16-1589767-A-C. GRCh37 (hg19) VCF-style: chr16-1639768-A-C.
Other names: short protein forms Y216*.
Identifiers: ClinVar variation 3236413 (VCV003236413.2), dbSNP rs2507935242, ClinGen allele CA394219000.